The following is an entry in ClinVar:

ClinVar aggregate classification (germline): Likely benign. Review status: criteria provided, multiple submitters, no conflicts (2 of 4 stars). 2 submissions from 2 submitters: Likely benign (2). Last evaluated 2026-09-01.

gnomAD v4.1: 4,061 of 1,613,962 alleles (0.25%); highest among the groups gnomAD compares: Non-Finnish European, 0.28%; 9 homozygotes.

Submissions (2):

CeGaT Center for Human Genetics Tuebingen
Classification: Likely benign. Last evaluated: 2026-09-01. Review status: criteria provided, single submitter. Criteria: CeGaT Center For Human Genetics Tuebingen Variant Classification Criteria Version 2. Collection method: clinical testing. Allele origin: germline. Affected: yes. Observed: 4 variant alleles.
Comment: SCAF4: BP4, BP7, BS1

Blueprint Genetics
Classification: Likely benign. Last evaluated: 2024-11-28. Review status: criteria provided, single submitter. Criteria: ACMG Guidelines, 2015. Collection method: clinical testing. Allele origin: germline.

NM_020706.2(SCAF4):c.876C>T (p.Ala292=)

Gene: SCAF4 (SR-related CTD associated factor 4; minus strand). Cytogenetic location: 21q22.11.
Variant type: single nucleotide variant.
Coding change: c.876C>T on transcript NM_020706.2 (MANE Select); coding-DNA position 876, C replaced by T.
Protein change: p.Ala292=; no amino-acid change (alanine 292 retained).
Molecular consequence: synonymous variant.
Genome position (GRCh38, 1-based): chr21:31,696,652, G>A on the plus strand (C>T on the coding strand, the complement: SCAF4 is on the minus strand). VCF-style: chr21-31696652-G-A. GRCh37 (hg19) VCF-style: chr21-33068965-G-A.
Other names: c.831C>T, p.Ala277= (NM_001145444.1); c.876C>T, p.Ala292= (NM_001145445.1).
Identifiers: ClinVar variation 3770534 (VCV003770534.14).
Genomic context (GRCh38, chr21:31,696,652, plus strand): 5'-AGAGGCAGCAGCGGGTGCAGCAGCAGCAGGCACGGTGGCGGTGGGTGCAGGGGGTACTGC[G>A]GCAGCAGGTGCTGTCGTGGTGACGGCAGTGGTATCCTCTTTCTTTGATTCTTCCACAGCT-3'
Protein context (NP_065757.1, residues 282-302): TTAVTTTAPA[Ala292=]AVPPAPTATV